The following is an entry in ClinVar:

ClinVar aggregate classification (germline): Conflicting classifications of pathogenicity. Review status: criteria provided, conflicting classifications (1 of 4 stars). 6 submissions from 6 submitters: Uncertain significance (1); Likely benign (4). 1 of the submissions does not count toward it. Last evaluated 2026-01-29.

Conditions:
PKD1-related disorder. Also called: PKD1-related condition.
Inborn genetic diseases. Identifiers: MedGen C0950123, MeSH D030342.
Polycystic kidney disease, adult type (PKD1). Also called: Polycystic Kidney Disease 1, Autosomal Dominant; Polycystic kidney disease 1; Polycystic kidney disease 1, severe; POLYCYSTIC KIDNEY DISEASE, ADULT, TYPE I; Polycystic Kidney, Autosomal Dominant; POLYCYSTIC KIDNEY DISEASE 1 WITH OR WITHOUT POLYCYSTIC LIVER DISEASE. Identifiers: MedGen C3149841, MONDO:0008263, OMIM 173900.

Allele frequency attached by ClinVar (database versions not stated): 1000 Genomes Project 0.00020; gnomAD exomes 0.00028; TOPMed 0.00028; 1000 Genomes Project 30x 0.00031; ExAC 0.00105.
gnomAD v4.1: 442 of 1,512,090 alleles (0.029%); highest among the groups gnomAD compares: Non-Finnish European, 0.034%; no homozygotes.

Submissions (6):

PreventionGenetics, part of Exact Sciences
Classification: Likely benign for PKD1-related condition. Last evaluated: 2026-01-29. Review status: criteria provided, single submitter. Criteria: ACMG Guidelines, 2015. Collection method: clinical testing. Allele origin: germline.
Comment: This variant is classified as likely benign based on ACMG/AMP sequence variant interpretation guidelines (Richards et al. 2015 PMID: 25741868, with internal and published modifications).

CeGaT Center for Human Genetics Tuebingen
Classification: Likely benign. Last evaluated: 2025-11-01. Review status: criteria provided, single submitter. Criteria: CeGaT Center For Human Genetics Tuebingen Variant Classification Criteria Version 2. Collection method: clinical testing. Allele origin: germline. Affected: yes. Observed: 3 variant alleles.
Comment: PKD1: BP4

Mayo Clinic Laboratories, Mayo Clinic
Classification: Likely benign. Last evaluated: 2024-12-30. Review status: criteria provided, single submitter. Criteria: ACMG Guidelines, 2015. Collection method: clinical testing. Allele origin: germline. Observed: 4 variant alleles.
Comment: BS1, BP4_moderate

Blueprint Genetics
Classification: Likely benign. Last evaluated: 2024-11-25. Review status: criteria provided, single submitter. Criteria: ACMG Guidelines, 2015. Collection method: clinical testing. Allele origin: germline.

Ambry Genetics
Classification: Uncertain significance for Inborn genetic diseases. Last evaluated: 2022-10-26. Review status: criteria provided, single submitter. Criteria: Ambry Variant Classification Scheme 2023. Collection method: clinical testing. Allele origin: germline.

Immunogenetics and Transplant Biology Service, University Hospital "Città della Salute e della Scienza di Torino"
Classification: Likely benign for Polycystic kidney disease, adult type. Last evaluated: 2023-07-03. Review status: no assertion criteria provided. Collection method: clinical testing. Allele origin: inherited. Affected: no. Not counted in ClinVar's aggregate classification.

NM_001009944.3(PKD1):c.313A>T (p.Thr105Ser)

Gene: PKD1 (polycystin 1, transient receptor potential channel interacting; minus strand). Cytogenetic location: 16p13.3.
Variant type: single nucleotide variant.
Coding change: c.313A>T on transcript NM_001009944.3 (MANE Select); coding-DNA position 313, A replaced by T.
Protein change: p.Thr105Ser; replaces threonine 105 with serine.
Molecular consequence: missense variant.
Genome position (GRCh38, 1-based): chr16:2,119,160, T>A on the plus strand (A>T on the coding strand, the complement: PKD1 is on the minus strand). VCF-style: chr16-2119160-T-A. GRCh37 (hg19) VCF-style: chr16-2169161-T-A.
Other names: p.Thr105Ser; c.313A>T, p.Thr105Ser (NM_000296.4); short protein forms T105S.
Identifiers: ClinVar variation 2342296 (VCV002342296.23), dbSNP rs200420603, ClinGen allele CA7833740.
Genomic context (GRCh38, chr16:2,119,160, plus strand): 5'-GAACCACAACTTACATTTCACTTAAATTAAATAAATTAGCAAATATTCCTTCTTCTAACG[T>A]AGAAATCTTGTTGTTGCTTATATCCCTGGAAGAGACGGGGGATTCGGCAAAGCTGATGGA-3'
Protein context (NP_001009944.3, residues 95-115): ELDISNNKIS[Thr105Ser]LEEGIFANLF